The following is an entry in ClinVar:

ClinVar aggregate classification (germline): Likely benign. Review status: criteria provided, multiple submitters, no conflicts (2 of 4 stars). 5 submissions from 5 submitters: Likely benign (5). Last evaluated 2025-12-01.

Conditions:
Inborn genetic diseases. Identifiers: MedGen C0950123, MeSH D030342.

Allele frequency attached by ClinVar (database versions not stated): gnomAD exomes 0.00022 and 0.00063; ExAC 0.00086; ESP Exome Variant Server 0.00092; gnomAD 0.00249 and 0.00266; TOPMed 0.00274; 1000 Genomes Project 0.00300; 1000 Genomes Project 30x 0.00328.
gnomAD v4.1: 722 of 1,613,502 alleles (0.045%); highest among the groups gnomAD compares: African/African-American, 0.85%; 5 homozygotes.

Submissions (5):

CeGaT Center for Human Genetics Tuebingen
Classification: Likely benign. Last evaluated: 2025-12-01. Review status: criteria provided, single submitter. Criteria: CeGaT Center For Human Genetics Tuebingen Variant Classification Criteria Version 2. Collection method: clinical testing. Allele origin: germline. Affected: yes. Observed: 1 variant allele.
Comment: HERC2: BP4, BS2

Ambry Genetics
Classification: Likely benign for Inborn genetic diseases. Last evaluated: 2025-08-04. Review status: criteria provided, single submitter. Criteria: Ambry Variant Classification Scheme 2023. Collection method: clinical testing. Allele origin: germline.

Labcorp Genetics (formerly Invitae), Labcorp
Classification: Likely benign. Last evaluated: 2019-12-31. Review status: criteria provided, single submitter. Criteria: Invitae Variant Classification Sherloc (09022015). Collection method: clinical testing. Allele origin: germline.

Center for Pediatric Genomic Medicine, Children's Mercy Hospital and Clinics
Classification: Likely benign. Last evaluated: 2017-05-03. Review status: criteria provided, single submitter. Criteria: ACMG Guidelines, 2015. Collection method: clinical testing. Allele origin: germline.

Breakthrough Genomics
Classification: Likely benign. Review status: criteria provided, single submitter. Criteria: ACMG Guidelines, 2015. Collection method: not provided. Allele origin: germline. Inheritance: Autosomal recessive inheritance. Affected: yes.

NM_004667.6(HERC2):c.5440A>G (p.Thr1814Ala)

Gene: HERC2 (HECT and RLD domain containing E3 ubiquitin protein ligase 2; minus strand). Cytogenetic location: 15q13.1.
Variant type: single nucleotide variant.
Coding change: c.5440A>G on transcript NM_004667.6 (MANE Select); coding-DNA position 5440, A replaced by G.
Protein change: p.Thr1814Ala; replaces threonine 1814 with alanine.
Molecular consequence: missense variant.
Genome position (GRCh38, 1-based): chr15:28,228,242, T>C on the plus strand (A>G on the coding strand, the complement: HERC2 is on the minus strand). VCF-style: chr15-28228242-T-C. GRCh37 (hg19) VCF-style: chr15-28473388-T-C.
Other names: c.5440A>G (NM_004667.4); short protein forms T1814A.
Identifiers: ClinVar variation 445834 (VCV000445834.12), dbSNP rs138650689, ClinGen allele CA7442351.